The following is an entry in ClinVar:

ClinVar aggregate classification (germline): Uncertain significance (1 of 4 stars; one submission).

Allele frequency attached by ClinVar (database versions not stated): gnomAD exomes below 0.00001; gnomAD 0.00001.

Submission:

GeneDx
Classification: Uncertain significance. Last evaluated: 2022-11-17. Review status: criteria provided, single submitter. Criteria: GeneDx Variant Classification Process June 2021. Collection method: clinical testing. Allele origin: germline. Affected: yes.
Comment: Not observed at significant frequency in large population cohorts (gnomAD); In silico analysis supports that this missense variant does not alter protein structure/function; Has not been previously published as pathogenic or benign to our knowledge

NM_006996.3(SLC19A2):c.590G>C (p.Cys197Ser)

Gene: SLC19A2 (solute carrier family 19 member 2; minus strand). Cytogenetic location: 1q24.2.
Variant type: single nucleotide variant.
Coding change: c.590G>C on transcript NM_006996.3 (MANE Select); coding-DNA position 590, G replaced by C.
Protein change: p.Cys197Ser; replaces cysteine 197 with serine.
Molecular consequence: missense variant. On other transcripts: intron variant (1).
Genome position (GRCh38, 1-based): chr1:169,477,372, C>G on the plus strand (G>C on the coding strand, the complement: SLC19A2 is on the minus strand). VCF-style: chr1-169477372-C-G. GRCh37 (hg19) VCF-style: chr1-169446610-C-G.
Other names: c.205-7186G>C (NM_001319667.1); short protein forms C197S.
Identifiers: ClinVar variation 2502501 (VCV002502501.1), dbSNP rs1292206957, ClinGen allele CA343110170.